The following is an entry in ClinVar:

ClinVar aggregate classification (germline): Benign/Likely benign. Review status: criteria provided, multiple submitters, no conflicts (2 of 4 stars). 13 submissions from 9 submitters: Benign (12); Likely benign (1). Last evaluated 2026-02-04.

Conditions:
Usher syndrome type 1 (USH1). Also called: RETINITIS PIGMENTOSA AND CONGENITAL DEAFNESS. Identifiers: Orphanet 231169, Orphanet 886, MedGen C1568247, MONDO:0010168, OMIM 276900.
Autosomal dominant nonsyndromic hearing loss 11. Identifiers: Orphanet 90635, MedGen C1832475, MONDO:0011032, OMIM 601317.
Autosomal recessive nonsyndromic hearing loss 2. Also called: DEAFNESS, AUTOSOMAL RECESSIVE 2; NEUROSENSORY NONSYNDROMIC RECESSIVE DEAFNESS 2. Identifiers: Orphanet 90636, MedGen C1838701, MONDO:0010807, OMIM 600060.

Allele frequency attached by ClinVar (database versions not stated): 1000 Genomes Project 0.46845; ESP Exome Variant Server 0.48553; TOPMed 0.50390; gnomAD 0.50565 and 0.51057; gnomAD exomes 0.51801; ExAC 0.53761.
gnomAD v4.1: 801,231 of 1,534,358 alleles (52%); highest among the groups gnomAD compares: Admixed American, 61%; 211,859 homozygotes.

Submissions (13):

Labcorp Genetics (formerly Invitae), Labcorp
Classification: Benign. Last evaluated: 2026-02-04. Review status: criteria provided, single submitter. Criteria: Invitae Variant Classification Sherloc (09022015). Collection method: clinical testing. Allele origin: germline.

Women's Health and Genetics/Laboratory Corporation of America, LabCorp
Classification: Benign. Last evaluated: 2025-05-22. Review status: criteria provided, single submitter. Criteria: LabCorp Variant Classification Summary - May 2015. Collection method: clinical testing. Allele origin: germline.

Blueprint Genetics
Classification: Likely benign. Last evaluated: 2024-11-27. Review status: criteria provided, single submitter. Criteria: ACMG Guidelines, 2015. Collection method: clinical testing. Allele origin: germline.

Genome-Nilou Lab
Classification: Benign for Autosomal dominant nonsyndromic hearing loss 11. Last evaluated: 2021-07-01. Review status: criteria provided, single submitter. Criteria: ACMG Guidelines, 2015. Collection method: clinical testing. Allele origin: germline. Affected: no.

Genome-Nilou Lab
Classification: Benign for Autosomal recessive nonsyndromic hearing loss 2. Last evaluated: 2021-07-01. Review status: criteria provided, single submitter. Criteria: ACMG Guidelines, 2015. Collection method: clinical testing. Allele origin: germline. Affected: no.

Genome-Nilou Lab
Classification: Benign for Usher syndrome type 1. Last evaluated: 2021-07-01. Review status: criteria provided, single submitter. Criteria: ACMG Guidelines, 2015. Collection method: clinical testing. Allele origin: germline. Affected: no.

Illumina Laboratory Services, Illumina
Classification: Benign for Autosomal dominant nonsyndromic hearing loss 11. Last evaluated: 2018-01-13. Review status: criteria provided, single submitter. Criteria: ICSL Variant Classification Criteria 13 December 2019. Collection method: clinical testing. Allele origin: germline.
Comment: This variant was observed in the ICSL laboratory as part of a predisposition screen in an ostensibly healthy population. It had not been previously curated by ICSL or reported in the Human Gene Mutation Database (HGMD: prior to June 1st, 2018), and was therefore a candidate for classification through an automated scoring system. Utilizing variant allele frequency, disease prevalence and penetrance estimates, and inheritance mode, an automated score was calculated to assess if this variant is too frequent to cause the disease. Based on the score and internal cut-off values, a variant classified as benign is not then subjected to further curation. The score for this variant resulted in a classification of benign for this disease.

Illumina Laboratory Services, Illumina
Classification: Benign for Usher syndrome type 1. Last evaluated: 2018-01-13. Review status: criteria provided, single submitter. Criteria: ICSL Variant Classification Criteria 13 December 2019. Collection method: clinical testing. Allele origin: germline.
Comment: the same text as in the submission from Illumina Laboratory Services, Illumina above.

Illumina Laboratory Services, Illumina
Classification: Benign for Autosomal recessive nonsyndromic hearing loss 2. Last evaluated: 2018-01-13. Review status: criteria provided, single submitter. Criteria: ICSL Variant Classification Criteria 13 December 2019. Collection method: clinical testing. Allele origin: germline.
Comment: the same text as in the submission from Illumina Laboratory Services, Illumina above.

GeneDx
Classification: Benign. Last evaluated: 2015-03-03. Review status: criteria provided, single submitter. Criteria: GeneDx Variant Classification Process June 2021. Collection method: clinical testing. Allele origin: germline. Affected: yes.

Laboratory for Molecular Medicine, Mass General Brigham Personalized Medicine
Classification: Benign. Last evaluated: 2009-06-23. Review status: criteria provided, single submitter. Criteria: LMM Criteria. Collection method: clinical testing. Allele origin: germline. Observed: 1,405 variant alleles.

Breakthrough Genomics
Classification: Benign. Review status: criteria provided, single submitter. Criteria: ACMG Guidelines, 2015. Collection method: not provided. Allele origin: germline. Inheritance: Autosomal recessive inheritance. Affected: yes.

PreventionGenetics, part of Exact Sciences
Classification: Benign. Review status: criteria provided, single submitter. Criteria: ACMG Guidelines, 2015. Collection method: clinical testing. Allele origin: germline.

NM_000260.4(MYO7A):c.3924+12C>T

Gene: MYO7A (myosin VIIA; plus strand). Cytogenetic location: 11q13.5.
Variant type: single nucleotide variant.
Coding change: c.3924+12C>T on transcript NM_000260.4 (MANE Select); 12 bases into the intron after coding-DNA position 3924, C replaced by T.
Molecular consequence: intron variant.
Genome position (GRCh38, 1-based): chr11:77,190,882, C>T. VCF-style: chr11-77190882-C-T. GRCh37 (hg19) VCF-style: chr11-76901927-C-T.
Other names: c.3891+12C>T (NM_001369365.1); c.3924+12C>T (NM_001127180.2).
Identifiers: ClinVar variation 43226 (VCV000043226.25), dbSNP rs2276285, ClinGen allele CA132310.
Genomic context (GRCh38, chr11:77,190,882, plus strand): 5'-TCTCAAGGACCGGTTCGGGTTCTCCCTCTACATTGCCCTGTTTGACAAGGTATGGCCGCC[C>T]GGAAGCACCTCCTCCCGGAAGCACCTCCTCCCGGCCCCACTCCGGGCTGCCAGTGCTGCC-3'